The following is an entry in ClinVar:

NM_032119.4(ADGRV1):c.16308C>T (p.Thr5436=)

Gene: ADGRV1 (adhesion G protein-coupled receptor V1; plus strand). Cytogenetic location: 5q14.3.
Variant type: single nucleotide variant.
Coding change: c.16308C>T on transcript NM_032119.4 (MANE Select); coding-DNA position 16308, C replaced by T.
Protein change: p.Thr5436=; no amino-acid change (threonine 5436 retained).
Molecular consequence: synonymous variant. On other transcripts: non-coding transcript variant (1).
Genome position (GRCh38, 1-based): chr5:90,823,536, C>T. VCF-style: chr5-90823536-C-T. GRCh37 (hg19) VCF-style: chr5-90119353-C-T.
Identifiers: ClinVar variation 907645 (VCV000907645.12), dbSNP rs137853917, ClinGen allele CA3342111.

ClinVar aggregate classification (germline): Conflicting classifications of pathogenicity. Review status: criteria provided, conflicting classifications (1 of 4 stars). 3 submissions from 3 submitters: Uncertain significance (1); Likely benign (2). Last evaluated 2026-03-21.

Conditions:
Usher syndrome type 2C. Also called: USHER SYNDROME, TYPE IIC; Usher syndrome, type 2B. Identifiers: Orphanet 231178, Orphanet 886, MedGen C2931213, MONDO:0011558, OMIM 605472.
ADGRV1-related disorder. Also called: ADGRV1-related disorders; ADGRV1-related condition.

Allele frequency attached by ClinVar (database versions not stated): gnomAD exomes 0.00005; TOPMed 0.00005; 1000 Genomes Project 30x 0.00016; 1000 Genomes Project 0.00020.
gnomAD v4.1: 34 of 1,613,890 alleles (0.0021%); highest among the groups gnomAD compares: Admixed American, 0.013%; no homozygotes.

Submissions (3):

PreventionGenetics, part of Exact Sciences
Classification: Likely benign for ADGRV1-related condition. Last evaluated: 2026-03-21. Review status: criteria provided, single submitter. Criteria: ACMG Guidelines, 2015. Collection method: clinical testing. Allele origin: germline.
Comment: This variant is classified as likely benign based on ACMG/AMP sequence variant interpretation guidelines (Richards et al. 2015 PMID: 25741868, with internal and published modifications).

Labcorp Genetics (formerly Invitae), Labcorp
Classification: Likely benign. Last evaluated: 2026-01-22. Review status: criteria provided, single submitter. Criteria: Invitae Variant Classification Sherloc (09022015). Collection method: clinical testing. Allele origin: germline.

Illumina Laboratory Services, Illumina
Classification: Uncertain significance for Usher syndrome type 2C. Last evaluated: 2018-01-13. Review status: criteria provided, single submitter. Criteria: ICSL Variant Classification Criteria 13 December 2019. Collection method: clinical testing. Allele origin: germline.